The following is an entry in ClinVar:

ClinVar aggregate classification (germline): Conflicting classifications of pathogenicity. Review status: criteria provided, conflicting classifications (1 of 4 stars). 2 submissions from 2 submitters: Uncertain significance (1); Likely benign (1). Last evaluated 2022-01-14.

Conditions:
AGRN-related disorder. Also called: AGRN-related condition.
Congenital myasthenic syndrome 8. Also called: MYASTHENIC SYNDROME, CONGENITAL, DUE TO AGRIN DEFICIENCY; Myasthenic syndrome, congenital, 8, with pre- and postsynaptic defects. Identifiers: Orphanet 590, MedGen C3808739, MONDO:0014052, OMIM 615120.

Allele frequency attached by ClinVar (database versions not stated): gnomAD exomes below 0.00001; TOPMed below 0.00001; ExAC 0.00001.
gnomAD v4.1: 13 of 1,604,478 alleles (0.00081%); highest among the groups gnomAD compares: Non-Finnish European, 0.0011%; no homozygotes.

Submissions (2):

Labcorp Genetics (formerly Invitae), Labcorp
Classification: Uncertain significance for Congenital myasthenic syndrome 8. Last evaluated: 2022-01-14. Review status: criteria provided, single submitter. Criteria: Invitae Variant Classification Sherloc (09022015). Collection method: clinical testing. Allele origin: germline.
Comment: Algorithms developed to predict the effect of missense changes on protein structure and function output the following: SIFT: "Tolerated"; PolyPhen-2: "Benign"; Align-GVGD: "Class C0". The leucine amino acid residue is found in multiple mammalian species, which suggests that this missense change does not adversely affect protein function. ClinVar contains an entry for this variant (Variation ID: 541146). This variant has not been reported in the literature in individuals affected with AGRN-related conditions. This variant is present in population databases (rs771364268, gnomAD 0.001%). This sequence change replaces proline, which is neutral and non-polar, with leucine, which is neutral and non-polar, at codon 1946 of the AGRN protein (p.Pro1946Leu). In summary, the available evidence is currently insufficient to determine the role of this variant in disease. Therefore, it has been classified as a Variant of Uncertain Significance.

PreventionGenetics, part of Exact Sciences
Classification: Likely benign for AGRN-related condition. Last evaluated: 2019-02-19. Review status: criteria provided, single submitter. Criteria: ACMG Guidelines, 2015. Collection method: clinical testing. Allele origin: germline.
Comment: This variant is classified as likely benign based on ACMG/AMP sequence variant interpretation guidelines (Richards et al. 2015 PMID: 25741868, with internal and published modifications).

NM_198576.4(AGRN):c.5837C>T (p.Pro1946Leu)

Gene: AGRN (agrin; plus strand). Cytogenetic location: 1p36.33.
Variant type: single nucleotide variant.
Coding change: c.5837C>T on transcript NM_198576.4 (MANE Select); coding-DNA position 5837, C replaced by T.
Protein change: p.Pro1946Leu; replaces proline 1946 with leucine.
Molecular consequence: missense variant.
Genome position (GRCh38, 1-based): chr1:1,053,938, C>T. VCF-style: chr1-1053938-C-T. GRCh37 (hg19) VCF-style: chr1-989318-C-T.
Other names: c.5906C>T, p.Pro1969Leu (NM_001305275.2); c.5534C>T, p.Pro1845Leu (NM_001364727.2); c.5534C>T (NM_001364727.1); short protein forms P1946L, P1845L, P1969L.
Identifiers: ClinVar variation 541146 (VCV000541146.7), dbSNP rs771364268, ClinGen allele CA510244.